The following is an entry in ClinVar:

NM_000368.5(TSC1):c.2275G>A (p.Ala759Thr)

Gene: TSC1 (TSC complex subunit 1; minus strand). Cytogenetic location: 9q34.13.
Variant type: single nucleotide variant.
Coding change: c.2275G>A on transcript NM_000368.5 (MANE Select); coding-DNA position 2275, G replaced by A.
Protein change: p.Ala759Thr; replaces alanine 759 with threonine.
Molecular consequence: missense variant.
Genome position (GRCh38, 1-based): chr9:132,902,721, C>T on the plus strand (G>A on the coding strand, the complement: TSC1 is on the minus strand). VCF-style: chr9-132902721-C-T. GRCh37 (hg19) VCF-style: chr9-135778108-C-T.
Other names: c.2272G>A, p.Ala758Thr (NM_001162426.2); c.2122G>A, p.Ala708Thr (NM_001162427.2); c.1912G>A, p.Ala638Thr (NM_001362177.2); short protein forms A759T, A708T, A758T, A638T.
Identifiers: ClinVar variation 411221 (VCV000411221.11), dbSNP rs1060503199, ClinGen allele CA16612449.

ClinVar aggregate classification (germline): Uncertain significance. Review status: criteria provided, multiple submitters, no conflicts (2 of 4 stars). 2 submissions from 2 submitters: Uncertain significance (2). Last evaluated 2023-02-06.

Conditions:
Tuberous sclerosis 1 (TSC1). Identifiers: Orphanet 805, MedGen C1854465, MONDO:0008612, OMIM 191100.
Hereditary cancer-predisposing syndrome. Also called: Hereditary neoplastic syndrome; Neoplastic Syndromes, Hereditary; Tumor predisposition; Hereditary Cancer Syndrome. Identifiers: Orphanet 140162, MedGen C0027672, MeSH D009386, MONDO:0015356.

Allele frequency attached by ClinVar (database versions not stated): gnomAD exomes below 0.00001.
gnomAD v4.1: 2 of 1,614,150 alleles (0.00012%); highest among the groups gnomAD compares: Non-Finnish European, 0.00017%; no homozygotes.

Submissions (2):

Labcorp Genetics (formerly Invitae), Labcorp
Classification: Uncertain significance for Tuberous sclerosis 1. Last evaluated: 2023-02-06. Review status: criteria provided, single submitter. Criteria: Invitae Variant Classification Sherloc (09022015). Collection method: clinical testing. Allele origin: germline.
Comment: This sequence change replaces alanine, which is neutral and non-polar, with threonine, which is neutral and polar, at codon 759 of the TSC1 protein (p.Ala759Thr). This variant is not present in population databases (gnomAD no frequency). In summary, the available evidence is currently insufficient to determine the role of this variant in disease. Therefore, it has been classified as a Variant of Uncertain Significance. Advanced modeling of protein sequence and biophysical properties (such as structural, functional, and spatial information, amino acid conservation, physicochemical variation, residue mobility, and thermodynamic stability) performed at Invitae indicates that this missense variant is not expected to disrupt TSC1 protein function. ClinVar contains an entry for this variant (Variation ID: 411221). This variant has not been reported in the literature in individuals affected with TSC1-related conditions.

Ambry Genetics
Classification: Uncertain significance for Hereditary cancer-predisposing syndrome. Last evaluated: 2022-03-25. Review status: criteria provided, single submitter. Criteria: Ambry Variant Classification Scheme 2023. Collection method: clinical testing. Allele origin: germline.
Comment: The p.A759T variant (also known as c.2275G>A), located in coding exon 16 of the TSC1 gene, results from a G to A substitution at nucleotide position 2275. The alanine at codon 759 is replaced by threonine, an amino acid with similar properties. This amino acid position is conserved. In addition, this alteration is predicted to be tolerated by in silico analysis. Since supporting evidence is limited at this time, the clinical significance of this alteration remains unclear.